The following is an entry in ClinVar:

ClinVar aggregate classification (germline): Conflicting classifications of pathogenicity. Review status: criteria provided, conflicting classifications (1 of 4 stars). 2 submissions from 2 submitters: Uncertain significance (1); Likely benign (1). Last evaluated 2023-10-26.

Conditions:
Singleton-Merten syndrome 1 (SGMRT1). Also called: Widened medullary cavities of bone, aortic calcification, abnormal dentition, and muscular weakness; Syndrome of widened medullary cavities of the metacarpals and phalanges, aortic calcification and abnormal dentition. Identifiers: Orphanet 85191, MedGen C4225427, MONDO:0024535, OMIM 182250.
Aicardi-Goutieres syndrome 7 (AGS7). Identifiers: Orphanet 51, MedGen C3888244, MONDO:0014367, OMIM 615846.

Allele frequency attached by ClinVar (database versions not stated): gnomAD exomes below 0.00001; ExAC 0.00001.
gnomAD v4.1: 7 of 1,613,912 alleles (0.00043%); highest among the groups gnomAD compares: South Asian, 0.0066%; no homozygotes.

Submissions (2):

Blueprint Genetics
Classification: Likely benign. Last evaluated: 2023-10-26. Review status: criteria provided, single submitter. Criteria: ACMG Guidelines, 2015. Collection method: clinical testing. Allele origin: germline.

Labcorp Genetics (formerly Invitae), Labcorp
Classification: Uncertain significance for Aicardi-Goutieres syndrome 7; Singleton-Merten syndrome 1. Last evaluated: 2022-02-28. Review status: criteria provided, single submitter. Criteria: Invitae Variant Classification Sherloc (09022015). Collection method: clinical testing. Allele origin: germline.
Comment: In summary, the available evidence is currently insufficient to determine the role of this variant in disease. Therefore, it has been classified as a Variant of Uncertain Significance. Algorithms developed to predict the effect of sequence changes on RNA splicing suggest that this variant may disrupt the consensus splice site. This variant has not been reported in the literature in individuals affected with IFIH1-related conditions. This variant is present in population databases (rs769817867, gnomAD 0.003%). This sequence change affects codon 233 of the IFIH1 mRNA. It is a 'silent' change, meaning that it does not change the encoded amino acid sequence of the IFIH1 protein.

NM_022168.4(IFIH1):c.699G>A (p.Leu233=)

Gene: IFIH1 (interferon induced with helicase C domain 1; minus strand). Cytogenetic location: 2q24.2.
Variant type: single nucleotide variant.
Coding change: c.699G>A on transcript NM_022168.4 (MANE Select); coding-DNA position 699, G replaced by A.
Protein change: p.Leu233=; no amino-acid change (leucine 233 retained).
Molecular consequence: synonymous variant.
Genome position (GRCh38, 1-based): chr2:162,306,779, C>T on the plus strand (G>A on the coding strand, the complement: IFIH1 is on the minus strand). VCF-style: chr2-162306779-C-T. GRCh37 (hg19) VCF-style: chr2-163163289-C-T.
Identifiers: ClinVar variation 2200259 (VCV002200259.5), dbSNP rs769817867, ClinGen allele CA1934738.